The following is an entry in ClinVar:

ClinVar aggregate classification (germline): Benign. Review status: criteria provided, single submitter (1 of 4 stars). 2 submissions from 2 submitters: Benign (1). 1 of the submissions does not count toward it. Last evaluated 2019-12-31.

Conditions:
CHAMP1-related disorder. Also called: CHAMP1-related condition.

Allele frequency attached by ClinVar (database versions not stated): gnomAD exomes 0.00174; ExAC 0.00211; gnomAD 0.00657 and 0.00706; TOPMed 0.00771; ESP Exome Variant Server 0.00807; 1000 Genomes Project 30x 0.00812; 1000 Genomes Project 0.00839.
gnomAD v4.1: 1,896 of 1,614,094 alleles (0.12%); highest among the groups gnomAD compares: African/African-American, 2.2%; 18 homozygotes.

Submissions (2):

Labcorp Genetics (formerly Invitae), Labcorp
Classification: Benign. Last evaluated: 2019-12-31. Review status: criteria provided, single submitter. Criteria: Invitae Variant Classification Sherloc (09022015). Collection method: clinical testing. Allele origin: germline.

PreventionGenetics, part of Exact Sciences
Classification: Benign for CHAMP1-related condition. Last evaluated: 2019-03-05. Review status: no assertion criteria provided. Collection method: clinical testing. Allele origin: germline. Not counted in ClinVar's aggregate classification.
Comment: This variant is classified as benign based on ACMG/AMP sequence variant interpretation guidelines (Richards et al. 2015 PMID: 25741868, with internal and published modifications).

NM_032436.4(CHAMP1):c.2013G>C (p.Met671Ile)

Gene: CHAMP1 (chromosome alignment maintaining phosphoprotein 1; plus strand). Cytogenetic location: 13q34.
Variant type: single nucleotide variant.
Coding change: c.2013G>C on transcript NM_032436.4 (MANE Select); coding-DNA position 2013, G replaced by C.
Protein change: p.Met671Ile; replaces methionine 671 with isoleucine.
Molecular consequence: missense variant.
Genome position (GRCh38, 1-based): chr13:114,325,855, G>C. VCF-style: chr13-114325855-G-C. GRCh37 (hg19) VCF-style: chr13-115091330-G-C.
Other names: c.2013G>C, p.Met671Ile (NM_001164144.3, NM_001164145.3); c.2013G>C (NM_001164145.2); short protein forms M671I.
Identifiers: ClinVar variation 784276 (VCV000784276.6), dbSNP rs35812683, ClinGen allele CA7070934.